The following is an entry in ClinVar:

NM_006096.4(NDRG1):c.698+84A>G

Gene: NDRG1 (N-myc downstream regulated 1; minus strand). Cytogenetic location: 8q24.22.
Variant type: single nucleotide variant.
Coding change: c.698+84A>G on transcript NM_006096.4 (MANE Select); 84 bases into the intron after coding-DNA position 698, A replaced by G.
Molecular consequence: intron variant.
Genome position (GRCh38, 1-based): chr8:133,250,356, T>C on the plus strand (A>G on the coding strand, the complement: NDRG1 is on the minus strand). VCF-style: chr8-133250356-T-C. GRCh37 (hg19) VCF-style: chr8-134262599-T-C.
Other names: NC_000008.10:g.134262599T>C; c.500+84A>G (NM_001258432.2, NM_001374847.1); c.455+84A>G (NM_001258433.2); c.749+84A>G (NM_001374844.1); c.698+84A>G (NM_001135242.2, NM_001374845.1, NM_001374846.1).
Identifiers: ClinVar variation 673388 (VCV000673388.6), dbSNP rs11575973, ClinGen allele CA12848550.

ClinVar aggregate classification (germline): Benign. Review status: criteria provided, multiple submitters, no conflicts (2 of 4 stars). 3 submissions from 3 submitters: Benign (3). Last evaluated 2021-07-10.

Conditions:
Charcot-Marie-Tooth disease type 4D. Also called: CHARCOT-MARIE-TOOTH DISEASE, DEMYELINATING, AUTOSOMAL RECESSIVE, TYPE 4D; CHARCOT-MARIE-TOOTH DISEASE, DEMYELINATING, TYPE 4D; Charcot-Marie-Tooth Neuropathy Type 4D; NEUROPATHY, HEREDITARY MOTOR AND SENSORY, LOM TYPE. Identifiers: Orphanet 99950, MedGen C1832334, MONDO:0011085, OMIM 601455.

Allele frequency attached by ClinVar (database versions not stated): 1000 Genomes Project 30x 0.06355; 1000 Genomes Project 0.06370; gnomAD 0.10491 and 0.10802; TOPMed 0.10852; gnomAD exomes 0.12858.
gnomAD v4.1: 153,817 of 1,221,396 alleles (13%); highest among the groups gnomAD compares: Non-Finnish European, 15%; 11,357 homozygotes.

Submissions (4):

Genome-Nilou Lab
Classification: Benign for Charcot-Marie-Tooth disease type 4D. Last evaluated: 2021-07-10. Review status: criteria provided, single submitter. Criteria: ACMG Guidelines, 2015. Collection method: clinical testing. Allele origin: germline. Affected: no.

GeneDx
Classification: Benign. Last evaluated: 2018-06-19. Review status: criteria provided, single submitter. Criteria: GeneDx Variant Classification (06012015). Collection method: clinical testing. Allele origin: germline. Affected: yes.
Comment: This variant is considered likely benign or benign based on one or more of the following criteria: it is a conservative change, it occurs at a poorly conserved position in the protein, it is predicted to be benign by multiple in silico algorithms, and/or has population frequency not consistent with disease.

Breakthrough Genomics
Classification: Benign. Review status: criteria provided, single submitter. Criteria: ACMG Guidelines, 2015. Collection method: not provided. Allele origin: germline. Inheritance: Autosomal recessive inheritance. Affected: yes.

Dr. Peter K. Rogan Lab, Western University
No classification provided (evidence only). Condition: Uterine carcinosarcoma. Review status: no classification provided. Collection method: in vitro. Allele origin: not applicable. Functional consequence: retained intron. Not counted in ClinVar's aggregate classification.